The following is an entry in ClinVar:

NM_003240.5(LEFTY2):c.1035C>T (p.Asn345=)

Gene: LEFTY2 (left-right determination factor 2; minus strand). Cytogenetic location: 1q42.12.
Variant type: single nucleotide variant.
Coding change: c.1035C>T on transcript NM_003240.5 (MANE Select); coding-DNA position 1035, C replaced by T.
Protein change: p.Asn345=; no amino-acid change (asparagine 345 retained).
Molecular consequence: synonymous variant.
Genome position (GRCh38, 1-based): chr1:225,937,507, G>A on the plus strand (C>T on the coding strand, the complement: LEFTY2 is on the minus strand). VCF-style: chr1-225937507-G-A. GRCh37 (hg19) VCF-style: chr1-226125207-G-A.
Other names: c.933C>T, p.Asn311= (NM_001172425.3); c.1035C>T (NM_003240.4).
Identifiers: ClinVar variation 295968 (VCV000295968.22), dbSNP rs112610798, ClinGen allele CA1420420.

ClinVar aggregate classification (germline): Benign/Likely benign. Review status: criteria provided, multiple submitters, no conflicts (2 of 4 stars). 5 submissions from 5 submitters: Benign (3); Likely benign (1). 1 of the submissions does not count toward it. Last evaluated 2025-12-29.

Conditions:
Left-right axis malformations. Identifiers: MedGen C1866091.
LEFTY2-related disorder. Also called: LEFTY2-related condition.

Allele frequency attached by ClinVar (database versions not stated): gnomAD exomes 0.00024 and 0.00062; ExAC 0.00081; gnomAD 0.00231 and 0.00244; TOPMed 0.00269; ESP Exome Variant Server 0.00284; 1000 Genomes Project 0.00459; 1000 Genomes Project 30x 0.00500.

Submissions (5):

Labcorp Genetics (formerly Invitae), Labcorp
Classification: Benign for Left-right axis malformations. Last evaluated: 2025-12-29. Review status: criteria provided, single submitter. Criteria: Invitae Variant Classification Sherloc (09022015). Collection method: clinical testing. Allele origin: germline.

Blueprint Genetics
Classification: Likely benign. Last evaluated: 2024-09-18. Review status: criteria provided, single submitter. Criteria: ACMG Guidelines, 2015. Collection method: clinical testing. Allele origin: germline.

Illumina Laboratory Services, Illumina
Classification: Benign for Left-right axis malformations. Last evaluated: 2018-01-13. Review status: criteria provided, single submitter. Criteria: ICSL Variant Classification Criteria 13 December 2019. Collection method: clinical testing. Allele origin: germline.
Comment: This variant was observed in the ICSL laboratory as part of a predisposition screen in an ostensibly healthy population. It had not been previously curated by ICSL or reported in the Human Gene Mutation Database (HGMD: prior to June 1st, 2018), and was therefore a candidate for classification through an automated scoring system. Utilizing variant allele frequency, disease prevalence and penetrance estimates, and inheritance mode, an automated score was calculated to assess if this variant is too frequent to cause the disease. Based on the score and internal cut-off values, a variant classified as benign is not then subjected to further curation. The score for this variant resulted in a classification of benign for this disease.

Eurofins Ntd Llc (ga)
Classification: Benign. Last evaluated: 2016-10-16. Review status: criteria provided, single submitter. Criteria: EGL Classification Definitions 2015. Collection method: clinical testing. Allele origin: germline. Observed: 1 variant allele, 1 heterozygote.

PreventionGenetics, part of Exact Sciences
Classification: Benign for LEFTY2-related condition. Last evaluated: 2019-06-06. Review status: no assertion criteria provided. Collection method: clinical testing. Allele origin: germline. Not counted in ClinVar's aggregate classification.
Comment: This variant is classified as benign based on ACMG/AMP sequence variant interpretation guidelines (Richards et al. 2015 PMID: 25741868, with internal and published modifications).